The following is an entry in ClinVar:

NM_000091.5(COL4A3):c.3151G>A (p.Gly1051Arg)

Genes: COL4A3 (collagen type IV alpha 3 chain; plus strand), MFF-DT (MFF divergent transcript; minus strand). Cytogenetic location: 2q36.3.
Variant type: single nucleotide variant.
Coding change: c.3151G>A on transcript NM_000091.5 (MANE Select); coding-DNA position 3151, G replaced by A.
Protein change: p.Gly1051Arg; replaces glycine 1051 with arginine.
Molecular consequence: missense variant.
Genome position (GRCh38, 1-based): chr2:227,290,827, G>A. VCF-style: chr2-227290827-G-A. GRCh37 (hg19) VCF-style: chr2-228155543-G-A.
Other names: short protein forms G1051R.
Identifiers: ClinVar variation 2845753 (VCV002845753.3), dbSNP rs2469829186, ClinGen allele CA350855766.
Genomic context (GRCh38, chr2:227,290,827, plus strand): 5'-ACTTTGGGATTCCCAGGTCGAGCAGGAAGACCAGGCCTCCCAGGTATTCATGGTCTCCAG[G>A]GAGATAAGGGAGAGCCAGGTTATTCAGAAGGTACAAGGCCAGGACCACCGGGACCAACGG-3'
Protein context (NP_000082.2, residues 1041-1061): PGLPGIHGLQ[Gly1051Arg]DKGEPGYSEG

ClinVar aggregate classification (germline): Uncertain significance (1 of 4 stars; one submission).

Submission:

Labcorp Genetics (formerly Invitae), Labcorp
Classification: Uncertain significance. Last evaluated: 2023-03-14. Review status: criteria provided, single submitter. Criteria: Invitae Variant Classification Sherloc (09022015). Collection method: clinical testing. Allele origin: germline.
Comment: This sequence change replaces glycine, which is neutral and non-polar, with arginine, which is basic and polar, at codon 1051 of the COL4A3 protein (p.Gly1051Arg). This variant is not present in population databases (gnomAD no frequency). This variant has not been reported in the literature in individuals affected with COL4A3-related conditions. Advanced modeling of protein sequence and biophysical properties (such as structural, functional, and spatial information, amino acid conservation, physicochemical variation, residue mobility, and thermodynamic stability) performed at Invitae indicates that this missense variant is expected to disrupt COL4A3 protein function. In summary, the available evidence is currently insufficient to determine the role of this variant in disease. Therefore, it has been classified as a Variant of Uncertain Significance.